The following is an entry in ClinVar:

ClinVar aggregate classification (germline): Uncertain significance (1 of 4 stars; one submission).

Submission:

GeneDx
Classification: Uncertain significance. Last evaluated: 2021-03-31. Review status: criteria provided, single submitter. Criteria: GeneDx Variant Classification Process June 2021. Collection method: clinical testing. Allele origin: germline. Affected: yes.
Comment: Not observed in large population cohorts (Lek et al., 2016); In silico analysis supports that this missense variant has a deleterious effect on protein structure/function; Has not been previously published as pathogenic or benign to our knowledge; Variants in candidate genes are classified as variants of uncertain significance in accordance with ACMG guidelines (Richards et al., 2015)

NM_015898.4(ZBTB7A):c.1249G>T (p.Val417Phe)

Gene: ZBTB7A (zinc finger and BTB domain containing 7A; minus strand). Cytogenetic location: 19p13.3.
Variant type: single nucleotide variant.
Coding change: c.1249G>T on transcript NM_015898.4 (MANE Select); coding-DNA position 1249, G replaced by T.
Protein change: p.Val417Phe; replaces valine 417 with phenylalanine.
Molecular consequence: missense variant.
Genome position (GRCh38, 1-based): chr19:4,053,984, C>A on the plus strand (G>T on the coding strand, the complement: ZBTB7A is on the minus strand). VCF-style: chr19-4053984-C-A. GRCh37 (hg19) VCF-style: chr19-4053982-C-A.
Other names: c.1249G>T, p.Val417Phe (NM_001317990.2); short protein forms V417F.
Identifiers: ClinVar variation 1329634 (VCV001329634.2), dbSNP rs2144989424, ClinGen allele CA403361795.
Genomic context (GRCh38, chr19:4,053,984, plus strand): 5'-CTGGGGCAGAGAGCAGGACGGCGCCTCCCCCGCGGCGGGCAGCTCACCTGGTGAAGCGGA[C>A]CTTGCAGATGTTGCACTCGTAGGGCTTCTCGCCCGTGTGGGTGCGGATGTGTCGCGGCAG-3'
Protein context (NP_056982.1, residues 407-427): EKPYECNICK[Val417Phe]RFTRQDKLKV